The following is an entry in ClinVar:

ClinVar aggregate classification (germline): Uncertain significance. Review status: criteria provided, multiple submitters, no conflicts (2 of 4 stars). 2 submissions from 2 submitters: Uncertain significance (2). Last evaluated 2026-03-13.

Conditions:
Focal dermal hypoplasia (FDH). Also called: Goltz syndrome. Identifiers: Orphanet 2092, MedGen C0016395, MONDO:0010592, OMIM 305600.

Submissions (2):

Laboratorio de Genetica e Diagnostico Molecular, Hospital Israelita Albert Einstein
Classification: Uncertain significance for Focal dermal hypoplasia. Last evaluated: 2026-03-13. Review status: criteria provided, single submitter. Criteria: ACMG Guidelines, 2015. Collection method: clinical testing. Allele origin: germline. Affected: yes.
Comment: ACMG classification criteria: PM2 supporting, PP3 supporting

Labcorp Genetics (formerly Invitae), Labcorp
Classification: Uncertain significance. Last evaluated: 2024-07-13. Review status: criteria provided, single submitter. Criteria: Invitae Variant Classification Sherloc (09022015). Collection method: clinical testing. Allele origin: germline.
Comment: This sequence change replaces cysteine, which is neutral and slightly polar, with tyrosine, which is neutral and polar, at codon 375 of the PORCN protein (p.Cys375Tyr). This variant is not present in population databases (gnomAD no frequency). This variant has not been reported in the literature in individuals affected with PORCN-related conditions. Advanced modeling of protein sequence and biophysical properties (such as structural, functional, and spatial information, amino acid conservation, physicochemical variation, residue mobility, and thermodynamic stability) performed at Invitae indicates that this missense variant is expected to disrupt PORCN protein function with a positive predictive value of 80%. In summary, the available evidence is currently insufficient to determine the role of this variant in disease. Therefore, it has been classified as a Variant of Uncertain Significance.

NM_203475.3(PORCN):c.1124G>A (p.Cys375Tyr)

Gene: PORCN (porcupine O-acyltransferase; plus strand). Cytogenetic location: Xp11.23.
Variant type: single nucleotide variant.
Coding change: c.1124G>A on transcript NM_203475.3 (MANE Select); coding-DNA position 1124, G replaced by A.
Protein change: p.Cys375Tyr; replaces cysteine 375 with tyrosine.
Molecular consequence: missense variant.
Genome position (GRCh38, 1-based): chrX:48,516,097, G>A. VCF-style: chrX-48516097-G-A. GRCh37 (hg19) VCF-style: chrX-48374485-G-A.
Other names: c.878G>A, p.Cys293Tyr (NM_001282167.2); c.1091G>A, p.Cys364Tyr (NM_022825.4); c.1109G>A, p.Cys370Tyr (NM_203473.3); c.1106G>A, p.Cys369Tyr (NM_203474.1); short protein forms C293Y, C364Y, C369Y, C375Y, C370Y.
Identifiers: ClinVar variation 3672669 (VCV003672669.3).